The following is an entry in ClinVar:

ClinVar aggregate classification (germline): Likely pathogenic (1 of 4 stars; one submission).

Submission:

Labcorp Genetics (formerly Invitae), Labcorp
Classification: Likely pathogenic. Last evaluated: 2021-01-29. Review status: criteria provided, single submitter. Criteria: Invitae Variant Classification Sherloc (09022015). Collection method: clinical testing. Allele origin: germline.
Comment: In summary, the currently available evidence indicates that the variant is pathogenic, but additional data are needed to prove that conclusively. Therefore, this variant has been classified as Likely Pathogenic. Algorithms developed to predict the effect of sequence changes on RNA splicing suggest that this variant may disrupt the consensus splice site, but this prediction has not been confirmed by published transcriptional studies. This variant has not been reported in the literature in individuals with ACAD9-related conditions. This variant is not present in population databases (ExAC no frequency). This sequence change affects a donor splice site in intron 10 of the ACAD9 gene. It is expected to disrupt RNA splicing. Variants that disrupt the donor or acceptor splice site typically lead to a loss of protein function (PMID: 16199547), and loss-of-function variants in ACAD9 are known to be pathogenic (PMID: 25721401).

Literature cited by the submitters: PubMed 16199547; PubMed 25721401.

NM_014049.5(ACAD9):c.1029+1G>T

Gene: ACAD9 (acyl-CoA dehydrogenase family member 9; plus strand). Cytogenetic location: 3q21.3.
Variant type: single nucleotide variant.
Coding change: c.1029+1G>T on transcript NM_014049.5 (MANE Select); the canonical splice donor site of the intron after coding-DNA position 1029, G replaced by T.
Molecular consequence: splice donor variant.
Genome position (GRCh38, 1-based): chr3:128,904,133, G>T. VCF-style: chr3-128904133-G-T. GRCh37 (hg19) VCF-style: chr3-128622976-G-T.
Other names: c.660+1G>T (NM_001410805.1).
Identifiers: ClinVar variation 1472618 (VCV001472618.8), dbSNP rs2107657800, ClinGen allele CA354436080.